The following is an entry in ClinVar:

ClinVar aggregate classification (germline): Uncertain significance (1 of 4 stars; one submission).

Conditions:
Gnathodiaphyseal dysplasia (GDD). Also called: GNATHODIAPHYSEAL SCLEROSIS; OSTEOGENESIS IMPERFECTA WITH UNUSUAL SKELETAL LESIONS. Identifiers: Orphanet 53697, MedGen C1833736, MONDO:0008151, OMIM 166260.
Autosomal recessive limb-girdle muscular dystrophy type 2L (LGMDR12). Also called: Limb-girdle muscular dystrophy, type 2L; Limb-Girdle Muscular Dystrophy R12 Anoctamin-5-Related (LGMD-R12); MUSCULAR DYSTROPHY, LIMB-GIRDLE, AUTOSOMAL RECESSIVE 12. Identifiers: Orphanet 206549, MedGen C1969785, MONDO:0012652, OMIM 611307.

Allele frequency attached by ClinVar (database versions not stated): gnomAD exomes 0.00001.

Submission:

Labcorp Genetics (formerly Invitae), Labcorp
Classification: Uncertain significance for Autosomal recessive limb-girdle muscular dystrophy type 2L; Gnathodiaphyseal dysplasia. Last evaluated: 2024-03-11. Review status: criteria provided, single submitter. Criteria: Invitae Variant Classification Sherloc (09022015). Collection method: clinical testing. Allele origin: germline.
Comment: This sequence change replaces serine, which is neutral and polar, with threonine, which is neutral and polar, at codon 331 of the ANO5 protein (p.Ser331Thr). The frequency data for this variant in the population databases is considered unreliable, as metrics indicate poor data quality at this position in the gnomAD database. This variant has not been reported in the literature in individuals affected with ANO5-related conditions. ClinVar contains an entry for this variant (Variation ID: 2420781). Advanced modeling of protein sequence and biophysical properties (such as structural, functional, and spatial information, amino acid conservation, physicochemical variation, residue mobility, and thermodynamic stability) performed at Invitae indicates that this missense variant is not expected to disrupt ANO5 protein function with a negative predictive value of 95%. In summary, the available evidence is currently insufficient to determine the role of this variant in disease. Therefore, it has been classified as a Variant of Uncertain Significance.

NM_213599.3(ANO5):c.991T>A (p.Ser331Thr)

Gene: ANO5 (anoctamin 5; plus strand). Cytogenetic location: 11p14.3.
Variant type: single nucleotide variant.
Coding change: c.991T>A on transcript NM_213599.3 (MANE Select); coding-DNA position 991, T replaced by A.
Protein change: p.Ser331Thr; replaces serine 331 with threonine.
Molecular consequence: missense variant.
Genome position (GRCh38, 1-based): chr11:22,250,349, T>A. VCF-style: chr11-22250349-T-A. GRCh37 (hg19) VCF-style: chr11-22271895-T-A.
Other names: c.988T>A, p.Ser330Thr (NM_001142649.2); c.949T>A, p.Ser317Thr (NM_001410963.1); c.946T>A, p.Ser316Thr (NM_001410964.1); short protein forms S316T, S317T, S330T, S331T.
Identifiers: ClinVar variation 2420781 (VCV002420781.5), dbSNP rs1410560691, ClinGen allele CA379920877.